The following is an entry in ClinVar:

ClinVar aggregate classification (germline): Uncertain significance (1 of 4 stars; one submission).

Conditions:
Cardiovascular phenotype. Identifiers: MedGen CN230736.

Submission:

Ambry Genetics
Classification: Uncertain significance for Cardiovascular phenotype. Last evaluated: 2025-06-30. Review status: criteria provided, single submitter. Criteria: Ambry Variant Classification Scheme 2023. Collection method: clinical testing. Allele origin: germline.
Comment: The p.Q1597R variant (also known as c.4790A>G), located in coding exon 18 of the AKAP9 gene, results from an A to G substitution at nucleotide position 4790. The glutamine at codon 1597 is replaced by arginine, an amino acid with highly similar properties. This amino acid position is conserved. In addition, this alteration is predicted to be tolerated by in silico analysis. Based on the available evidence, the clinical significance of this variant remains unclear.

NM_005751.5(AKAP9):c.4790A>G (p.Gln1597Arg)

Gene: AKAP9 (A-kinase anchoring protein 9; plus strand). Cytogenetic location: 7q21.2.
Variant type: single nucleotide variant.
Coding change: c.4790A>G on transcript NM_005751.5 (MANE Select); coding-DNA position 4790, A replaced by G.
Protein change: p.Gln1597Arg; replaces glutamine 1597 with arginine.
Molecular consequence: missense variant.
Genome position (GRCh38, 1-based): chr7:92,040,771, A>G. VCF-style: chr7-92040771-A-G. GRCh37 (hg19) VCF-style: chr7-91670085-A-G.
Other names: c.4790A>G, p.Gln1597Arg (NM_147185.3); short protein forms Q1597R.
Identifiers: ClinVar variation 4264976 (VCV004264976.1).